The following is an entry in ClinVar:

ClinVar aggregate classification (germline): Uncertain significance (1 of 4 stars; one submission).

Conditions:
Symmetrical dyschromatosis of extremities (DSH). Also called: RETICULATE ACROPIGMENTATION OF DOHI; SYMMETRIC DYSCHROMATOSIS OF THE EXTREMITIES; Dyschromatosis symmetrica hereditaria; DYSCHROMATOSIS SYMMETRICA HEREDITARIA 1. Identifiers: Orphanet 41, MedGen C0406775, MONDO:0007483, OMIM 127400.
Aicardi-Goutieres syndrome 6 (AGS6). Identifiers: Orphanet 51, MedGen C3539013, MONDO:0014007, OMIM 615010.

Allele frequency attached by ClinVar (database versions not stated): gnomAD exomes below 0.00001; ExAC 0.00001; gnomAD 0.00001; TOPMed 0.00001.
gnomAD v4.1: 4 of 1,613,946 alleles (0.00025%); highest among the groups gnomAD compares: Non-Finnish European, 0.00034%; no homozygotes.

Submission:

Labcorp Genetics (formerly Invitae), Labcorp
Classification: Uncertain significance for Aicardi-Goutieres syndrome 6; Symmetrical dyschromatosis of extremities. Last evaluated: 2023-10-09. Review status: criteria provided, single submitter. Criteria: Invitae Variant Classification Sherloc (09022015). Collection method: clinical testing. Allele origin: germline.
Comment: This sequence change replaces serine, which is neutral and polar, with arginine, which is basic and polar, at codon 977 of the ADAR protein (p.Ser977Arg). This variant is present in population databases (rs766544371, gnomAD 0.0009%). This variant has not been reported in the literature in individuals affected with ADAR-related conditions. ClinVar contains an entry for this variant (Variation ID: 1382295). Advanced modeling of protein sequence and biophysical properties (such as structural, functional, and spatial information, amino acid conservation, physicochemical variation, residue mobility, and thermodynamic stability) performed at Invitae indicates that this missense variant is not expected to disrupt ADAR protein function. In summary, the available evidence is currently insufficient to determine the role of this variant in disease. Therefore, it has been classified as a Variant of Uncertain Significance.

NM_001111.5(ADAR):c.2929A>C (p.Ser977Arg)

Gene: ADAR (adenosine deaminase RNA specific; minus strand). Cytogenetic location: 1q21.3.
Variant type: single nucleotide variant.
Coding change: c.2929A>C on transcript NM_001111.5 (MANE Select); coding-DNA position 2929, A replaced by C.
Protein change: p.Ser977Arg; replaces serine 977 with arginine.
Molecular consequence: missense variant.
Genome position (GRCh38, 1-based): chr1:154,588,215, T>G on the plus strand (A>C on the coding strand, the complement: ADAR is on the minus strand). VCF-style: chr1-154588215-T-G. GRCh37 (hg19) VCF-style: chr1-154560691-T-G.
Other names: c.2794A>C, p.Ser932Arg (NM_015841.4); c.2044A>C, p.Ser682Arg (NM_001025107.3, NM_001193495.2, NM_001365046.1 and 2 more transcripts); c.2956A>C, p.Ser986Arg (NM_001365045.1); c.1966A>C, p.Ser656Arg (NM_001365049.1); c.2851A>C, p.Ser951Arg (NM_015840.4); short protein forms S656R, S977R, S682R, S932R, S986R, S951R.
Identifiers: ClinVar variation 1382295 (VCV001382295.6), dbSNP rs766544371, ClinGen allele CA1131100.